The following is an entry in ClinVar:

NM_020774.4(MIB1):c.2484T>G (p.Asp828Glu)

Gene: MIB1 (MIB E3 ubiquitin protein ligase 1; plus strand). Cytogenetic location: 18q11.2.
Variant type: single nucleotide variant.
Coding change: c.2484T>G on transcript NM_020774.4 (MANE Select); coding-DNA position 2484, T replaced by G.
Protein change: p.Asp828Glu; replaces aspartic acid 828 with glutamic acid.
Molecular consequence: missense variant.
Genome position (GRCh38, 1-based): chr18:21,849,286, T>G. VCF-style: chr18-21849286-T-G. GRCh37 (hg19) VCF-style: chr18-19429247-T-G.
Other names: short protein forms D828E.
Identifiers: ClinVar variation 3294706 (VCV003294706.1).
Genomic context (GRCh38, chr18:21,849,286, plus strand): 5'-GATTAGTAATGATTCTGAAACCTTAGAAGAGTGTATGGTGTGCTCAGATATGAAGAGAGA[T>G]ACTCTTTTTGGTCCATGTGGACATATTGCTACCTGTTCTTTATGTTCTCCACGTGTCAAG-3'
Protein context (NP_065825.1, residues 818-838): ECMVCSDMKR[Asp828Glu]TLFGPCGHIA

ClinVar aggregate classification (germline): Uncertain significance (1 of 4 stars; one submission).

Conditions:
Inborn genetic diseases. Identifiers: MedGen C0950123, MeSH D030342.

Submission:

Ambry Genetics
Classification: Uncertain significance for Inborn genetic diseases. Last evaluated: 2024-05-17. Review status: criteria provided, single submitter. Criteria: Ambry Variant Classification Scheme 2023. Collection method: clinical testing. Allele origin: germline.
Comment: The p.D828E variant (also known as c.2484T>G), located in coding exon 17 of the MIB1 gene, results from a T to G substitution at nucleotide position 2484. The aspartic acid at codon 828 is replaced by glutamic acid, an amino acid with highly similar properties. This amino acid position is conserved. In addition, the in silico prediction for this alteration is inconclusive. Based on the available evidence, the clinical significance of this variant remains unclear.